The following is an entry in ClinVar:

ClinVar aggregate classification (germline): Uncertain significance (1 of 4 stars; one submission).

Allele frequency attached by ClinVar (database versions not stated): gnomAD exomes below 0.00001; ExAC 0.00002; gnomAD 0.00002; TOPMed 0.00002; ESP Exome Variant Server 0.00008.

Submission:

Labcorp Genetics (formerly Invitae), Labcorp
Classification: Uncertain significance. Last evaluated: 2024-11-11. Review status: criteria provided, single submitter. Criteria: Invitae Variant Classification Sherloc (09022015). Collection method: clinical testing. Allele origin: germline.
Comment: This sequence change creates a premature translational stop signal (p.Pro141Alafs*106) in the SHPK gene. It is expected to result in an absent or disrupted protein product. However, the current clinical and genetic evidence is not sufficient to establish whether loss-of-function variants in SHPK cause disease. This variant is present in population databases (rs747177985, gnomAD 0.008%). This variant has not been reported in the literature in individuals affected with SHPK-related conditions. ClinVar contains an entry for this variant (Variation ID: 3018556). In summary, the available evidence is currently insufficient to determine the role of this variant in disease. Therefore, it has been classified as a Variant of Uncertain Significance.

NM_013276.4(SHPK):c.420dup (p.Pro141fs)

Genes: SHPK (sedoheptulokinase; minus strand), LOC126862464 (MED14-independent group 3 enhancer GRCh37_chr17:3526895-3528094; plus strand). Cytogenetic location: 17p13.2.
Variant type: Duplication.
Coding change: c.420dup on transcript NM_013276.4 (MANE Select); coding-DNA position 420, one base duplicated (G; older notation c.420dupG).
Protein change: p.Pro141fs; shifts the reading frame from proline 141.
Molecular consequence: frameshift variant.
Genome position (GRCh38, 1-based): chr17:3,624,122, C duplicated on the plus strand (G on the coding strand, the reverse complement: SHPK is on the minus strand). VCF-style (leftmost placement, unchanged base first): chr17-3624121-G-GC. GRCh37 (hg19) VCF-style: chr17-3527415-G-GC.
Other names: short protein forms P141fs.
Identifiers: ClinVar variation 3018556 (VCV003018556.3), dbSNP rs747177985, ClinGen allele CA8291342.